The following is an entry in ClinVar:

NM_002497.4(NEK2):c.205C>A (p.Arg69Ser)

Gene: NEK2 (NIMA related kinase 2; minus strand). Cytogenetic location: 1q32.3.
Variant type: single nucleotide variant.
Coding change: c.205C>A on transcript NM_002497.4 (MANE Select); coding-DNA position 205, C replaced by A.
Protein change: p.Arg69Ser; replaces arginine 69 with serine.
Molecular consequence: missense variant.
Genome position (GRCh38, 1-based): chr1:211,674,405, G>T on the plus strand (C>A on the coding strand, the complement: NEK2 is on the minus strand). VCF-style: chr1-211674405-G-T. GRCh37 (hg19) VCF-style: chr1-211847747-G-T.
Other names: c.205C>A, p.Arg69Ser (NM_001204182.2, NM_001204183.2); short protein forms R69S.
Identifiers: ClinVar variation 2082061 (VCV002082061.4), dbSNP rs368396189, ClinGen allele CA1381738.

ClinVar aggregate classification (germline): Uncertain significance (1 of 4 stars; one submission).

Allele frequency attached by ClinVar (database versions not stated): ESP Exome Variant Server 0.00008.
gnomAD v4.1: 22 of 1,613,896 alleles (0.0014%); highest among the groups gnomAD compares: African/African-American, 0.025%; no homozygotes.

Submission:

Labcorp Genetics (formerly Invitae), Labcorp
Classification: Uncertain significance. Last evaluated: 2022-02-08. Review status: criteria provided, single submitter. Criteria: Invitae Variant Classification Sherloc (09022015). Collection method: clinical testing. Allele origin: germline.
Comment: In summary, the available evidence is currently insufficient to determine the role of this variant in disease. Therefore, it has been classified as a Variant of Uncertain Significance. Algorithms developed to predict the effect of missense changes on protein structure and function (SIFT, PolyPhen-2, Align-GVGD) all suggest that this variant is likely to be tolerated. This variant has not been reported in the literature in individuals affected with NEK2-related conditions. This variant is present in population databases (rs368396189, gnomAD 0.03%). This sequence change replaces arginine, which is basic and polar, with serine, which is neutral and polar, at codon 69 of the NEK2 protein (p.Arg69Ser).